The following is an entry in ClinVar:

ClinVar aggregate classification (germline): Uncertain significance. Review status: criteria provided, multiple submitters, no conflicts (2 of 4 stars). 2 submissions from 2 submitters: Uncertain significance (2). Last evaluated 2021-12-09.

Conditions:
Adams-Oliver syndrome 5 (AOS5). Identifiers: Orphanet 974, MedGen C4014970, MONDO:0014459, OMIM 616028.

Submissions (2):

Revvity Omics, Revvity
Classification: Uncertain significance. Last evaluated: 2021-12-09. Review status: criteria provided, single submitter. Criteria: ACMG Guidelines, 2015. Collection method: clinical testing. Allele origin: germline.

Labcorp Genetics (formerly Invitae), Labcorp
Classification: Uncertain significance for Adams-Oliver syndrome 5. Last evaluated: 2018-08-06. Review status: criteria provided, single submitter. Criteria: Invitae Variant Classification Sherloc (09022015). Collection method: clinical testing. Allele origin: germline.
Comment: This sequence change replaces serine with asparagine at codon 900 of the NOTCH1 protein (p.Ser900Asn). The serine residue is weakly conserved and there is a small physicochemical difference between serine and asparagine. This variant is not present in population databases (ExAC no frequency). This variant has not been reported in the literature in individuals with NOTCH1-related disease. Algorithms developed to predict the effect of missense changes on protein structure and function are either unavailable or do not agree on the potential impact of this missense change (SIFT: "Deleterious"; PolyPhen-2: "Benign"; Align-GVGD: "Class C0"). In summary, the available evidence is currently insufficient to determine the role of this variant in disease. Therefore, it has been classified as a Variant of Uncertain Significance.

NM_017617.5(NOTCH1):c.2699G>A (p.Ser900Asn)

Gene: NOTCH1 (notch receptor 1; minus strand). Cytogenetic location: 9q34.3.
Variant type: single nucleotide variant.
Coding change: c.2699G>A on transcript NM_017617.5 (MANE Select); coding-DNA position 2699, G replaced by A.
Protein change: p.Ser900Asn; replaces serine 900 with asparagine.
Molecular consequence: missense variant.
Genome position (GRCh38, 1-based): chr9:136,510,694, C>T on the plus strand (G>A on the coding strand, the complement: NOTCH1 is on the minus strand). VCF-style: chr9-136510694-C-T. GRCh37 (hg19) VCF-style: chr9-139405146-C-T.
Other names: c.2699G>A, p.Ser900Asn (LRG_1122t1); short protein forms S900N.
Identifiers: ClinVar variation 664695 (VCV000664695.11), dbSNP rs1589062647, ClinGen allele CA375554837.